The following is an entry in ClinVar:

ClinVar aggregate classification (germline): Uncertain significance (1 of 4 stars; one submission).

Submission:

Labcorp Genetics (formerly Invitae), Labcorp
Classification: Uncertain significance. Last evaluated: 2019-12-20. Review status: criteria provided, single submitter. Criteria: Invitae Variant Classification Sherloc (09022015). Collection method: clinical testing. Allele origin: germline.
Comment: In summary, the available evidence is currently insufficient to determine the role of this variant in disease. Therefore, it has been classified as a Variant of Uncertain Significance. Nucleotide substitutions within the consensus splice site are a relatively common cause of aberrant splicing (PMID: 17576681, 9536098). Algorithms developed to predict the effect of sequence changes on RNA splicing suggest that this variant may disrupt the consensus splice site, but this prediction has not been confirmed by published transcriptional studies. This variant has not been reported in the literature in individuals with TUBGCP4-related conditions. This variant is not present in population databases (ExAC no frequency). This sequence change falls in intron 14 of the TUBGCP4 gene. It does not directly change the encoded amino acid sequence of the TUBGCP4 protein, but it affects a nucleotide within the consensus splice site of the intron.

Literature cited by the submitters: PubMed 17576681; PubMed 9536098.

NM_014444.5(TUBGCP4):c.1596+5G>C

Gene: TUBGCP4 (tubulin gamma complex component 4; plus strand). Cytogenetic location: 15q15.3.
Variant type: single nucleotide variant.
Coding change: c.1596+5G>C on transcript NM_014444.5 (MANE Select); 5 bases into the intron after coding-DNA position 1596, G replaced by C.
Molecular consequence: intron variant.
Genome position (GRCh38, 1-based): chr15:43,400,226, G>C. VCF-style: chr15-43400226-G-C. GRCh37 (hg19) VCF-style: chr15-43692424-G-C.
Other names: c.1599+5G>C (NM_001286414.3).
Identifiers: ClinVar variation 839764 (VCV000839764.7), dbSNP rs2044649963, ClinGen allele CA916083418.
Genomic context (GRCh38, chr15:43,400,226, plus strand): 5'-GGCGCCTAAGAAATCACATGGCATTTTTGGTGGATAATCTTCAGTACTATCTCCAGGTCT[G>C]TGCTAAGAGATGAGTAGAAGGAAGGGGTACGGAAAAACGTCTAGGAGGTTGGCAGGGAGT-3'